The following is an entry in ClinVar:

ClinVar aggregate classification (germline): Uncertain significance. Review status: criteria provided, multiple submitters, no conflicts (2 of 4 stars). 2 submissions from 2 submitters: Uncertain significance (2). Last evaluated 2024-10-29.

Conditions:
Inborn genetic diseases. Identifiers: MedGen C0950123, MeSH D030342.

gnomAD v4.1: 150 of 1,613,824 alleles (0.0093%); highest among the groups gnomAD compares: South Asian, 0.0099%; no homozygotes.

Submissions (2):

Labcorp Genetics (formerly Invitae), Labcorp
Classification: Uncertain significance. Last evaluated: 2024-10-29. Review status: criteria provided, single submitter. Criteria: Invitae Variant Classification Sherloc (09022015). Collection method: clinical testing. Allele origin: germline.
Comment: This sequence change replaces proline, which is neutral and non-polar, with alanine, which is neutral and non-polar, at codon 244 of the CNOT3 protein (p.Pro244Ala). This variant is not present in population databases (gnomAD no frequency). This missense change has been observed in individual(s) with CNOT3-related conditions (PMID: 33057194, 35982159). ClinVar contains an entry for this variant (Variation ID: 1972133). Experimental studies and prediction algorithms are not available or were not evaluated, and the functional significance of this variant is currently unknown. In summary, the available evidence is currently insufficient to determine the role of this variant in disease. Therefore, it has been classified as a Variant of Uncertain Significance.

Ambry Genetics
Classification: Uncertain significance for Inborn genetic diseases. Last evaluated: 2022-04-07. Review status: criteria provided, single submitter. Criteria: Ambry Variant Classification Scheme 2023. Collection method: clinical testing. Allele origin: germline.

Literature cited by the submitters: PubMed 33057194 (cited by Labcorp Genetics (formerly Invitae), Labcorp); PubMed 35982159 (cited by Labcorp Genetics (formerly Invitae), Labcorp).

NM_014516.4(CNOT3):c.730C>G (p.Pro244Ala)

Gene: CNOT3 (CCR4-NOT transcription complex subunit 3; plus strand). Cytogenetic location: 19q13.42.
Variant type: single nucleotide variant.
Coding change: c.730C>G on transcript NM_014516.4 (MANE Select); coding-DNA position 730, C replaced by G.
Protein change: p.Pro244Ala; replaces proline 244 with alanine.
Molecular consequence: missense variant.
Genome position (GRCh38, 1-based): chr19:54,145,936, C>G. VCF-style: chr19-54145936-C-G. GRCh37 (hg19) VCF-style: chr19-54649672-C-G.
Other names: short protein forms P244A.
Identifiers: ClinVar variation 1972133 (VCV001972133.6), dbSNP rs769899630, ClinGen allele CA407761684.